The following is an entry in ClinVar:

ClinVar aggregate classification (germline): Pathogenic (1 of 4 stars; one submission).

Conditions:
Alpha-N-acetylgalactosaminidase deficiency type 1. Also called: ALPHA-N-ACETYLGALACTOSAMINIDASE DEFICIENCY, TYPE I; NAGA DEFICIENCY, TYPE I; NEUROAXONAL DYSTROPHY, SCHINDLER TYPE; SCHINDLER DISEASE, TYPE I. Identifiers: Orphanet 3137, Orphanet 79279, Orphanet 79281, MedGen C1836544, MONDO:0012221, OMIM 609241.

Allele frequency attached by ClinVar (database versions not stated): gnomAD exomes below 0.00001; ExAC 0.00001; gnomAD 0.00003; TOPMed 0.00006.

Submission:

Labcorp Genetics (formerly Invitae), Labcorp
Classification: Pathogenic for Alpha-N-acetylgalactosaminidase deficiency type 1. Last evaluated: 2025-12-06. Review status: criteria provided, single submitter. Criteria: Invitae Variant Classification Sherloc (09022015). Collection method: clinical testing. Allele origin: germline.
Comment: This sequence change creates a premature translational stop signal (p.Tyr108*) in the NAGA gene. It is expected to result in an absent or disrupted protein product. Loss-of-function variants in NAGA are known to be pathogenic (PMID: 8782044, 11251574). This variant is present in population databases (rs762752949, gnomAD 0.006%). This variant has not been reported in the literature in individuals affected with NAGA-related conditions. ClinVar contains an entry for this variant (Variation ID: 2991771). Algorithms developed to predict the effect of sequence changes on RNA splicing suggest that this variant may disrupt the consensus splice site. For these reasons, this variant has been classified as Pathogenic.

Literature cited by the submitters: PubMed 8782044; PubMed 11251574.

NM_000262.3(NAGA):c.324del (p.Asp107_Tyr108insTer)

Genes: NAGA (alpha-N-acetylgalactosaminidase; minus strand), LOC126863160 (CDK7 strongly-dependent group 2 enhancer GRCh37_chr22:42462918-42464117; plus strand). Cytogenetic location: 22q13.2.
Variant type: Deletion.
Coding change: c.324del on transcript NM_000262.3 (MANE Select); coding-DNA position 324, one base deleted (C; older notation c.324delC).
Protein change: p.Asp107_Tyr108insTer.
Molecular consequence: nonsense.
Genome position (GRCh38, 1-based): chr22:42,067,765, G deleted on the plus strand (C on the coding strand, the reverse complement: NAGA is on the minus strand). VCF-style (leftmost placement, unchanged base first): chr22-42067764-CG-C. GRCh37 (hg19) VCF-style: chr22-42463768-CG-C.
Other names: c.324del, p.Asp107_Tyr108insTer (NM_001362848.1, NM_001362850.1).
Identifiers: ClinVar variation 2991771 (VCV002991771.3), dbSNP rs762752949, ClinGen allele CA10263870.
Genomic context (GRCh38, chr22:42,067,764, plus strand): 5'-AGGTAGGGTGAAAGGAGTGGTCTAGCCCTGAGGCCAAGGGCAGGGCTGGGGTGCGGCTCA[CG>C]TAGTCAGCCAGGAAAGGAATGCCATGAGGGAAGCGCTTGGGATCCGGCATCAGGCGGCCA-3'